The following is an entry in ClinVar:

NM_000020.3(ACVRL1):c.1451G>T (p.Arg484Leu)

Gene: ACVRL1 (activin A receptor like type 1; plus strand). Cytogenetic location: 12q13.13.
Variant type: single nucleotide variant.
Coding change: c.1451G>T on transcript NM_000020.3 (MANE Select); coding-DNA position 1451, G replaced by T.
Protein change: p.Arg484Leu; replaces arginine 484 with leucine.
Molecular consequence: missense variant.
Genome position (GRCh38, 1-based): chr12:51,920,832, G>T. VCF-style: chr12-51920832-G-T. GRCh37 (hg19) VCF-style: chr12-52314616-G-T.
Other names: p.Arg484Leu; c.1451G>T, p.Arg484Leu (NM_001077401.2); short protein forms R484L.
Identifiers: ClinVar variation 812855 (VCV000812855.11), dbSNP rs863223408, ClinGen allele CA384905817.
Genomic context (GRCh38, chr12:51,920,832, plus strand): 5'-TAGCTCAGATGATGCGGGAGTGCTGGTACCCAAACCCCTCTGCCCGACTCACCGCGCTGC[G>T]GATCAAGAAGACACTACAAAAAATTAGCAACAGTCCAGAGAAGCCTAAAGTGATTCAATA-3'
Protein context (NP_000011.2, residues 474-494): PNPSARLTAL[Arg484Leu]IKKTLQKISN

ClinVar aggregate classification (germline): Pathogenic/Likely pathogenic. Review status: criteria provided, multiple submitters, no conflicts (2 of 4 stars). 3 submissions from 3 submitters: Pathogenic (1); Likely pathogenic (1). 1 of the submissions does not count toward it. Last evaluated 2024-09-06.

Conditions:
Pulmonary arterial hypertension. Identifiers: Orphanet 182090, MedGen C2973725, MeSH D000081029, MONDO:0015924, HP:0002092.
Telangiectasia, hereditary hemorrhagic, type 2 (HHT2). Also called: Telangiectasia, hereditary hemorrhagic, type II; ACVRL1-Related Hereditary Hemorrhagic Telangiectasia. Identifiers: Orphanet 774, MedGen C1838163, MONDO:0010880, OMIM 600376. Disease mechanism: loss of function.

Submissions (3):

Mayo Clinic Laboratories, Mayo Clinic
Classification: Likely pathogenic. Last evaluated: 2024-09-06. Review status: criteria provided, single submitter. Criteria: ACMG Guidelines, 2015. Collection method: clinical testing. Allele origin: germline. Observed: 1 variant allele.
Comment: PP3, PM2, PM5, PS3_supporting, PS4_moderate

Labcorp Genetics (formerly Invitae), Labcorp
Classification: Pathogenic for Telangiectasia, hereditary hemorrhagic, type 2. Last evaluated: 2019-04-23. Review status: criteria provided, single submitter. Criteria: Invitae Variant Classification Sherloc (09022015). Collection method: clinical testing. Allele origin: germline.
Comment: This variant disrupts the p.Arg484 amino acid residue in ACVRL1. Other variant(s) that disrupt this residue have been determined to be pathogenic (PMID: 11484689, 15687131, 24753439). This suggests that this residue is clinically significant, and that variants that disrupt this residue are likely to be disease-causing. For these reasons, this variant has been classified as Pathogenic. This sequence change replaces arginine with leucine at codon 484 of the ACVRL1 protein (p.Arg484Leu). The arginine residue is highly conserved and there is a moderate physicochemical difference between arginine and leucine. This variant is not present in population databases (ExAC no frequency). This variant has been observed in several individuals affected with hereditary hemorrhagic telangiectasia (HHT) or pulmonary hypertension (PAH) (PMID: 18498373, 29650961, Invitae). Algorithms developed to predict the effect of missense changes on protein structure and function (SIFT, PolyPhen-2, Align-GVGD) all suggest that this variant is likely to be disruptive, but these predictions have not been confirmed by published functional studies and their clinical significance is uncertain.

NIHR Bioresource Rare Diseases, University of Cambridge
Classification: Likely pathogenic for Pulmonary arterial hypertension. Review status: no assertion criteria provided. Collection method: research. Allele origin: unknown. Affected: yes. Observed: 1 variant allele. Not counted in ClinVar's aggregate classification.

Literature cited by the submitters: PubMed 18498373 (cited by Mayo Clinic Laboratories, Mayo Clinic and Labcorp Genetics (formerly Invitae), Labcorp); PubMed 29650961 (cited by Mayo Clinic Laboratories, Mayo Clinic and Labcorp Genetics (formerly Invitae), Labcorp); PubMed 31511490 (cited by Mayo Clinic Laboratories, Mayo Clinic); PubMed 37568404 (cited by Mayo Clinic Laboratories, Mayo Clinic); PubMed 11484689 (cited by Labcorp Genetics (formerly Invitae), Labcorp); PubMed 15687131 (cited by Labcorp Genetics (formerly Invitae), Labcorp); PubMed 24753439 (cited by Labcorp Genetics (formerly Invitae), Labcorp); PubMed 32581362 (cited by NIHR Bioresource Rare Diseases, University of Cambridge).